The following is an entry in ClinVar:

NM_017909.4(RMND1):c.291del (p.Thr97_Met98insTer)

Gene: RMND1 (required for meiotic nuclear division 1 homolog; minus strand). Cytogenetic location: 6q25.1.
Variant type: Deletion.
Coding change: c.291del on transcript NM_017909.4 (MANE Select); coding-DNA position 291, one base deleted (C; older notation c.291delC).
Protein change: p.Thr97_Met98insTer.
Molecular consequence: frameshift variant. On other transcripts: intron variant (1).
Genome position (GRCh38, 1-based): chr6:151,445,521, G deleted on the plus strand (C on the coding strand, the reverse complement: RMND1 is on the minus strand); the first of 2 consecutive G bases (chr6:151,445,521-151,445,522); deleting either gives the same sequence. VCF-style (leftmost placement, unchanged base first): chr6-151445520-TG-T. GRCh37 (hg19) VCF-style: chr6-151766655-TG-T.
Other names: c.-7+6495del (NM_001271937.2).
Identifiers: ClinVar variation 452667 (VCV000452667.3), dbSNP rs763658299, ClinGen allele CA4051067.
Genomic context (GRCh38, chr6:151,445,520, plus strand): 5'-ATTTAGAACCCAACAGATTTGGTTTGTGGGTCACTCTCCTGTGAGTACCAAAGGATTTCA[TG>T]GTTGGAAGGTGTGCCTTTTCATCTTGGCAACGAGCAGCATTTAATGGAGACAGCATGCTG-3'

ClinVar aggregate classification (germline): Likely pathogenic. Review status: criteria provided, multiple submitters, no conflicts (2 of 4 stars). 2 submissions from 2 submitters: Likely pathogenic (2). Last evaluated 2024-06-21.

Conditions:
Combined oxidative phosphorylation defect type 11. Also called: ENCEPHALONEUROMYOPATHY, INFANTILE, DUE TO MITOCHONDRIAL TRANSLATION DEFECT; Combined oxidative phosphorylation deficiency 11. Identifiers: Orphanet 324535, MedGen C5190991, MONDO:0013969, OMIM 614922.

Submissions (2):

Fulgent Genetics
Classification: Likely pathogenic for Combined oxidative phosphorylation defect type 11. Last evaluated: 2024-06-21. Review status: criteria provided, single submitter. Criteria: ACMG Guidelines, 2015. Collection method: clinical testing. Allele origin: germline.

GeneDx
Classification: Likely pathogenic. Last evaluated: 2017-10-04. Review status: criteria provided, single submitter. Criteria: GeneDx Variant Classification (06012015). Collection method: clinical testing. Allele origin: germline. Affected: yes.
Comment: The c.291delC variant in the RMND1 gene has not been reported previously as a pathogenic variant nor as a benign variant, to our knowledge. The c.291delC variant causes a frameshift starting with codon Methionine 98, changing this amino acid to a premature Stop codon, denoted p.Met98Ter. This variant is predicted to cause loss of normal protein function either through protein truncation or nonsense-mediated mRNA decay. The c.291delC variant is not observed at a significant frequency in large population cohorts (Lek et al., 2016). We interpret c.291delC as a likely pathogenic variant.